The following is an entry in ClinVar:

ClinVar aggregate classification (germline): Conflicting classifications of pathogenicity. Review status: criteria provided, conflicting classifications (1 of 4 stars). 3 submissions from 3 submitters: Likely pathogenic (1); Uncertain significance (2). Last evaluated 2025-03-04.

Conditions:
EYA1-related disorder. Also called: EYA1-related condition.
Melnick-Fraser syndrome (BOR). Also called: Branchio-oto-renal syndrome; Branchiootorenal Syndrome (BORS); Branchiootorenal syndrome. Identifiers: Orphanet 107, MedGen C0265234, MONDO:0007029.
Branchiootorenal syndrome 1. Also called: Branchio-Oto-Renal Syndrome 1. Identifiers: Orphanet 107, MedGen C4551702, MONDO:0007236, OMIM 113650.
Branchiootic syndrome 1 (BOS1). Also called: BO SYNDROME 1; BRANCHIOOTIC DYSPLASIA. Identifiers: MedGen C1865143, MONDO:0011258, OMIM 602588.
Otofaciocervical syndrome 1 (OTFCS). Identifiers: MedGen C3714941, MONDO:0024532, OMIM 166780.

Allele frequency attached by ClinVar (database versions not stated): gnomAD 0.00002; TOPMed 0.00002.
gnomAD v4.1: 22 of 1,611,744 alleles (0.0014%); highest among the groups gnomAD compares: South Asian, 0.0022%; no homozygotes.

Submissions (3):

PreventionGenetics, part of Exact Sciences
Classification: Uncertain significance for EYA1-related condition. Last evaluated: 2025-03-04. Review status: criteria provided, single submitter. Criteria: ACMG Guidelines, 2015. Collection method: clinical testing. Allele origin: germline.
Comment: The EYA1 c.1309C>T variant is predicted to result in the amino acid substitution p.Arg437Cys. This variant was reported in two individuals with kidney failure, being de novo in one patient (Table S2, Chen et al. 2021. PubMed ID: 34031707; Table S1, Liu et al. 2022. PubMed ID: 36549658). This variant is reported in 0.0040% of alleles in individuals of European (Finnish) descent in gnomAD, including 22 heterozygotes in the larger gnomAD v4.1.0 database. Although we suspect this variant may be pathogenic, at this time, the clinical significance of this variant is uncertain due to the absence of conclusive functional and genetic evidence.

Fulgent Genetics
Classification: Uncertain significance for Branchiootorenal syndrome 1; Otofaciocervical syndrome 1; Branchiootic syndrome 1. Last evaluated: 2024-02-20. Review status: criteria provided, single submitter. Criteria: ACMG Guidelines, 2015. Collection method: clinical testing. Allele origin: germline.

Labcorp Genetics (formerly Invitae), Labcorp
Classification: Likely pathogenic for Melnick-Fraser syndrome. Last evaluated: 2022-08-05. Review status: criteria provided, single submitter. Criteria: Invitae Variant Classification Sherloc (09022015). Collection method: clinical testing. Allele origin: germline.
Comment: In summary, the currently available evidence indicates that the variant is pathogenic, but additional data are needed to prove that conclusively. Therefore, this variant has been classified as Likely Pathogenic. Algorithms developed to predict the effect of missense changes on protein structure and function (SIFT, PolyPhen-2, Align-GVGD) all suggest that this variant is likely to be disruptive. This missense change has been observed in individual(s) with branchiootorenal syndrome (PMID: 34031707). In at least one individual the variant was observed to be de novo. This variant is present in population databases (no rsID available, gnomAD 0.004%). This sequence change replaces arginine, which is basic and polar, with cysteine, which is neutral and slightly polar, at codon 437 of the EYA1 protein (p.Arg437Cys).

Literature cited by the submitters: PubMed 34031707 (cited by Labcorp Genetics (formerly Invitae), Labcorp).

NM_000503.6(EYA1):c.1309C>T (p.Arg437Cys)

Gene: EYA1 (EYA transcriptional coactivator and phosphatase 1; minus strand). Cytogenetic location: 8q13.3.
Variant type: single nucleotide variant.
Coding change: c.1309C>T on transcript NM_000503.6 (MANE Select); coding-DNA position 1309, C replaced by T.
Protein change: p.Arg437Cys; replaces arginine 437 with cysteine.
Molecular consequence: missense variant.
Genome position (GRCh38, 1-based): chr8:71,216,743, G>A on the plus strand (C>T on the coding strand, the complement: EYA1 is on the minus strand). VCF-style: chr8-71216743-G-A. GRCh37 (hg19) VCF-style: chr8-72128978-G-A.
Other names: c.1309C>T (NM_172058.3); c.1291C>T, p.Arg431Cys (NM_001288574.2, NM_172059.5); c.943C>T, p.Arg315Cys (NM_001288575.2); c.1396C>T, p.Arg466Cys (NM_001370333.1); c.1309C>T, p.Arg437Cys (NM_001370334.1, NM_001370335.1, NM_172058.4); c.1288C>T, p.Arg430Cys (NM_001370336.1); c.1210C>T, p.Arg404Cys (NM_001411797.1, NM_172060.4); short protein forms R315C, R430C, R437C, R404C, R431C, R466C.
Identifiers: ClinVar variation 2081341 (VCV002081341.6), dbSNP rs1240529273, ClinGen allele CA371466677.